The following is an entry in ClinVar:

NM_000138.5(FBN1):c.7710G>A (p.Glu2570=)

Gene: FBN1 (fibrillin 1; minus strand). Cytogenetic location: 15q21.1.
Variant type: single nucleotide variant.
Coding change: c.7710G>A on transcript NM_000138.5 (MANE Select); coding-DNA position 7710, G replaced by A.
Protein change: p.Glu2570=; no amino-acid change (glutamic acid 2570 retained).
Molecular consequence: synonymous variant.
Genome position (GRCh38, 1-based): chr15:48,420,796, C>T on the plus strand (G>A on the coding strand, the complement: FBN1 is on the minus strand). VCF-style: chr15-48420796-C-T. GRCh37 (hg19) VCF-style: chr15-48712993-C-T.
Identifiers: ClinVar variation 527235 (VCV000527235.11), dbSNP rs748055037, ClinGen allele CA059109.
Genomic context (GRCh38, chr15:48,420,796, plus strand): 5'-GCACCTGTAGCCCCCAATGATGTTCTGGCAGCCATGCTGGCAGCGGTGGTTACCCTCACA[C>T]TCGTCCACGTCTGAAAAAGAAGCAGAGCCACCATGATGCCAACTCAACATCTCTCTCTGA-3'
Protein context (NP_000129.3, residues 2560-2580): QTGSSCEDVD[Glu2570=]CEGNHRCQHG

ClinVar aggregate classification (germline): Likely benign. Review status: criteria provided, multiple submitters, no conflicts (2 of 4 stars). 3 submissions from 3 submitters: Likely benign (3). Last evaluated 2023-02-10.

Conditions:
Familial thoracic aortic aneurysm and aortic dissection (TAAD). Also called: Thoracic aortic aneurysms and dissections. Identifiers: Orphanet 91387, MedGen C4707243, MONDO:0019625.
Marfan syndrome (MFS). Also called: Marfan syndrome type 1; Marfan syndrome, classic; Marfan's syndrome; FBN1-Related Marfan Syndrome; MARFAN SYNDROME, TYPE I. Identifiers: Orphanet 284963, Orphanet 558, MedGen C0024796, MONDO:0007947, OMIM 154700.

Allele frequency attached by ClinVar (database versions not stated): gnomAD exomes below 0.00001; TOPMed below 0.00001; ExAC 0.00001.
gnomAD v4.1: 3 of 1,614,018 alleles (0.00019%); highest among the groups gnomAD compares: East Asian, 0.0045%; no homozygotes.

Submissions (3):

All of Us Research Program, National Institutes of Health
Classification: Likely benign for Marfan syndrome. Last evaluated: 2023-02-10. Review status: criteria provided, single submitter. Criteria: ACMG Guidelines, 2015. Collection method: clinical testing. Allele origin: germline. Inheritance: Autosomal dominant inheritance. Observed: 1 variant allele, 1 heterozygote.
Comment: This study involves interpretation of variants in research participants for the purpose of population health screening. Participant phenotype was not available at the time of variant classification. Additional details can be found in publication PMID: 35346344, PMCID: PMC8962531

Color Diagnostics, LLC DBA Color Health
Classification: Likely benign for Familial thoracic aortic aneurysm and aortic dissection. Last evaluated: 2018-12-10. Review status: criteria provided, single submitter. Criteria: ACMG Guidelines, 2015. Collection method: clinical testing. Allele origin: germline.

Labcorp Genetics (formerly Invitae), Labcorp
Classification: Likely benign for Marfan syndrome; Familial thoracic aortic aneurysm and aortic dissection. Last evaluated: 2017-10-27. Review status: criteria provided, single submitter. Criteria: Invitae Variant Classification Sherloc (09022015). Collection method: clinical testing. Allele origin: germline.